The following is an entry in ClinVar:

NM_001009944.3(PKD1):c.3000C>G (p.Asn1000Lys)

Gene: PKD1 (polycystin 1, transient receptor potential channel interacting; minus strand). Cytogenetic location: 16p13.3.
Variant type: single nucleotide variant.
Coding change: c.3000C>G on transcript NM_001009944.3 (MANE Select); coding-DNA position 3000, C replaced by G.
Protein change: p.Asn1000Lys; replaces asparagine 1000 with lysine.
Molecular consequence: missense variant.
Genome position (GRCh38, 1-based): chr16:2,112,949, G>C on the plus strand (C>G on the coding strand, the complement: PKD1 is on the minus strand). VCF-style: chr16-2112949-G-C. GRCh37 (hg19) VCF-style: chr16-2162950-G-C.
Other names: c.3000C>G, p.Asn1000Lys (NM_000296.4); short protein forms N1000K.
Identifiers: ClinVar variation 4984673 (VCV004984673.1).

ClinVar aggregate classification (germline): Uncertain significance (1 of 4 stars; one submission).

Conditions:
PKD1-related disorder. Also called: PKD1-related condition.

Submission:

PreventionGenetics, part of Exact Sciences
Classification: Uncertain significance for PKD1-related condition. Last evaluated: 2024-12-17. Review status: criteria provided, single submitter. Criteria: ACMG Guidelines, 2015. Collection method: clinical testing. Allele origin: germline.
Comment: The PKD1 c.3000C>G variant is predicted to result in the amino acid substitution p.Asn1000Lys. To our knowledge, this variant has not been reported in the literature or in a large population database (gnomAD), indicating this variant is rare. At PreventionGenetics, we have previously found this variant in two presumably unrelated patients tested for polycystic kidney disease (PKD) (internal data). The p.Asn1000 residue is highly conserved during evolution and missense changes at other flanking highly conserved residues have been reported in individuals with PKD (see for example, p.Ala998Pro in Table S3 and S6, Hwang et al. 2016. PubMed ID: 26453610; p.Val1002Gly in Table S1, Kimura et al. 2023. PubMed ID: 37509056). Although we suspect that the c.3000C>G (p.Asn1000Lys) variant could be pathogenic, at this time, the clinical significance of this variant is uncertain due to the absence of conclusive functional and genetic evidence.